The following is an entry in ClinVar:

NM_000202.8(IDS):c.1300_1306dup (p.Lys436fs)

Gene: IDS (iduronate 2-sulfatase; minus strand). Cytogenetic location: Xq28.
Variant type: Duplication.
Coding change: c.1300_1306dup on transcript NM_000202.8 (MANE Select); coding-DNA positions 1300 to 1306, 7 bases duplicated (GAAGGCA; older notation c.1300_1306dupGAAGGCA).
Protein change: p.Lys436fs; shifts the reading frame from lysine 436.
Molecular consequence: frameshift variant.
Genome position (GRCh38, 1-based): chrX:149,483,093-149,483,099, TGCCTTC duplicated on the plus strand (GAAGGCA on the coding strand, the reverse complement: IDS is on the minus strand); duplicating any 7 consecutive bases within chrX:149,483,093-149,483,100 gives the same sequence; the c. name uses the placement nearest the transcript's 3' end. VCF-style (leftmost placement, unchanged base first): chrX-149483092-T-TTGCCTTC. GRCh37 (hg19) VCF-style: chrX-148564623-T-TTGCCTTC.
Other names: c.1030_1036dup, p.Lys346fs (NM_001166550.4); short protein forms K346fs, K436fs.
Identifiers: ClinVar variation 3256024 (VCV003256024.2).

ClinVar aggregate classification (germline): Likely pathogenic (1 of 4 stars; one submission).

Conditions:
Mucopolysaccharidosis, MPS-II (MPS2). Also called: Hunter Syndrome; IDURONATE 2-SULFATASE DEFICIENCY; Mucopolysaccharidosis Type II; Mucopolysaccharidosis type 2; Attenuated MPS (subtype; formerly known as mild MPS II); Severe MPS II. Identifiers: Orphanet 580, Orphanet 79388, MedGen C0026705, MONDO:0010674, OMIM 309900.

Submission:

Laboratory of Diagnosis and Therapy of Lysosomal Disorders, University of Padova
Classification: Likely pathogenic for Mucopolysaccharidosis, MPS-II. Last evaluated: 2024-06-07. Review status: criteria provided, single submitter. Criteria: ACMG Guidelines, 2015. Collection method: literature only. Allele origin: germline. Affected: yes. Observed: 1 variant allele.
Comment: Null variant (PVS1_Strong), Absent from controls (or at low frequency) in gnomAD database (PM2_Moderate), Patient’s phenotype or family history highly specific for the disease (PP4_Moderate)

Classification method: ACMG Guidelines [PMID:25741868] with modifications

Literature cited by the submitters: PubMed 24125893.